The following is an entry in ClinVar:

NM_000492.4(CFTR):c.2291G>A (p.Arg764Gln)

Gene: CFTR (CF transmembrane conductance regulator; plus strand). Cytogenetic location: 7q31.2.
Variant type: single nucleotide variant.
Coding change: c.2291G>A on transcript NM_000492.4 (MANE Select); coding-DNA position 2291, G replaced by A.
Protein change: p.Arg764Gln; replaces arginine 764 with glutamine.
Molecular consequence: missense variant.
Genome position (GRCh38, 1-based): chr7:117,592,458, G>A. VCF-style: chr7-117592458-G-A. GRCh37 (hg19) VCF-style: chr7-117232512-G-A.
Other names: short protein forms R764Q.
Identifiers: ClinVar variation 632752 (VCV000632752.6), dbSNP rs1417904716, ClinGen allele CA368980869.

ClinVar aggregate classification (germline): Uncertain significance. Review status: criteria provided, multiple submitters, no conflicts (2 of 4 stars). 4 submissions from 4 submitters: Uncertain significance (3). 1 of the submissions does not count toward it. Last evaluated 2024-04-05.

Conditions:
CFTR-related disorder (CFTR-RD). Also called: CFTR-related condition; CFTR-related disorders. Identifiers: MedGen C5924204, MONDO:7770004.
Cystic fibrosis (CF). Also called: MUCOVISCIDOSIS. Identifiers: Orphanet 586, MedGen C0010674, MONDO:0009061, OMIM 219700. Disease mechanism: loss of function.

Allele frequency attached by ClinVar (database versions not stated): gnomAD exomes 0.00001; TOPMed 0.00001.
gnomAD v4.1: 21 of 1,586,586 alleles (0.0013%); highest among the groups gnomAD compares: Admixed American, 0.0018%; no homozygotes.

Submissions (4):

Ambry Genetics
Classification: Uncertain significance for Cystic fibrosis. Last evaluated: 2024-04-05. Review status: criteria provided, single submitter. Criteria: Ambry Variant Classification Scheme 2023. Collection method: clinical testing. Allele origin: germline.
Comment: The p.R764Q variant (also known as c.2291G>A), located in coding exon 14 of the CFTR gene, results from a G to A substitution at nucleotide position 2291. The arginine at codon 764 is replaced by glutamine, an amino acid with highly similar properties. This variant was detected in a cohort of 5161 individuals with CF and classified as a variant of unknown significance by the authors (Raraigh KS et al. J Cyst Fibros, 2022 May;21:463-470). This amino acid position is not well conserved in available vertebrate species, and glutamine is the reference amino acid in other vertebrate species. In addition, the in silico prediction for this alteration is inconclusive. Based on the available evidence, the clinical significance of this variant remains unclear.

Labcorp Genetics (formerly Invitae), Labcorp
Classification: Uncertain significance for Cystic fibrosis. Last evaluated: 2022-08-20. Review status: criteria provided, single submitter. Criteria: Invitae Variant Classification Sherloc (09022015). Collection method: clinical testing. Allele origin: germline.
Comment: This sequence change replaces arginine, which is basic and polar, with glutamine, which is neutral and polar, at codon 764 of the CFTR protein (p.Arg764Gln). This variant is present in population databases (no rsID available, gnomAD 0.002%). This variant has not been reported in the literature in individuals affected with CFTR-related conditions. ClinVar contains an entry for this variant (Variation ID: 632752). Algorithms developed to predict the effect of missense changes on protein structure and function output the following: SIFT: "Tolerated"; PolyPhen-2: "Benign"; Align-GVGD: "Class C0". The glutamine amino acid residue is found in multiple mammalian species, which suggests that this missense change does not adversely affect protein function. In summary, the available evidence is currently insufficient to determine the role of this variant in disease. Therefore, it has been classified as a Variant of Uncertain Significance.

Women's Health and Genetics/Laboratory Corporation of America, LabCorp
Classification: Uncertain significance. Last evaluated: 2018-10-11. Review status: criteria provided, single submitter. Criteria: LabCorp Variant Classification Summary - May 2015. Collection method: clinical testing. Allele origin: germline.
Comment: Variant summary: CFTR c.2291G>A (p.Arg764Gln) results in a conservative amino acid change located in the CFTR regulator domain of the encoded protein sequence. Five of five in-silico tools predict a benign effect of the variant on protein function. The variant allele was found at a frequency of 9.1e-06 in 220332 control chromosomes (gnomAD). The available data on variant occurrences in the general population are insufficient to allow any conclusion about variant significance. To our knowledge, no occurrence of c.2291G>A in individuals affected with Cystic Fibrosis and no experimental evidence demonstrating its impact on protein function have been reported. No clinical diagnostic laboratories have submitted clinical-significance assessments for this variant to ClinVar after 2014. Based on the evidence outlined above, the variant was classified as uncertain significance.

Natera, Inc.
Classification: Uncertain significance for CFTR-related disorders. Last evaluated: 2019-02-26. Review status: no assertion criteria provided. Collection method: clinical testing. Allele origin: germline. Not counted in ClinVar's aggregate classification.

Literature cited by the submitters: PubMed 34782259 (cited by Ambry Genetics).